The following is an entry in ClinVar:

ClinVar aggregate classification (germline): Uncertain significance. Review status: criteria provided, multiple submitters, no conflicts (2 of 4 stars). 3 submissions from 3 submitters: Uncertain significance (3). Last evaluated 2024-09-03.

Conditions:
Familial cancer of breast. Also called: BREAST CANCER, FAMILIAL; Hereditary breast cancer; hereditary breast carcinoma. Identifiers: Orphanet 227535, MedGen C0346153, MONDO:0016419, OMIM 114480. Disease mechanism: loss of function.
Fanconi anemia complementation group J. Also called: BRIP1-Related Fanconi Anemia. Identifiers: Orphanet 84, MedGen C1836860, MONDO:0012187, OMIM 609054.
Hereditary cancer-predisposing syndrome. Also called: Tumor predisposition; Neoplastic Syndromes, Hereditary; Hereditary Cancer Syndrome; Hereditary neoplastic syndrome. Identifiers: Orphanet 140162, MedGen C0027672, MeSH D009386, MONDO:0015356.

Submissions (3):

Ambry Genetics
Classification: Uncertain significance for Hereditary cancer-predisposing syndrome. Last evaluated: 2024-09-03. Review status: criteria provided, single submitter. Criteria: Ambry Variant Classification Scheme 2023. Collection method: clinical testing. Allele origin: germline.
Comment: The p.I430L variant (also known as c.1288A>T), located in coding exon 8 of the BRIP1 gene, results from an A to T substitution at nucleotide position 1288. The isoleucine at codon 430 is replaced by leucine, an amino acid with highly similar properties. This amino acid position is conserved. In addition, this alteration is predicted to be tolerated by in silico analysis. Based on the available evidence, the clinical significance of this variant remains unclear.

Labcorp Genetics (formerly Invitae), Labcorp
Classification: Uncertain significance for Familial cancer of breast; Fanconi anemia complementation group J. Last evaluated: 2024-01-21. Review status: criteria provided, single submitter. Criteria: Invitae Variant Classification Sherloc (09022015). Collection method: clinical testing. Allele origin: germline.
Comment: This sequence change replaces isoleucine, which is neutral and non-polar, with leucine, which is neutral and non-polar, at codon 430 of the BRIP1 protein (p.Ile430Leu). This variant is not present in population databases (gnomAD no frequency). This variant has not been reported in the literature in individuals affected with BRIP1-related conditions. ClinVar contains an entry for this variant (Variation ID: 628193). Advanced modeling of protein sequence and biophysical properties (such as structural, functional, and spatial information, amino acid conservation, physicochemical variation, residue mobility, and thermodynamic stability) has been performed at Invitae for this missense variant, however the output from this modeling did not meet the statistical confidence thresholds required to predict the impact of this variant on BRIP1 protein function. In summary, the available evidence is currently insufficient to determine the role of this variant in disease. Therefore, it has been classified as a Variant of Uncertain Significance.

Color Diagnostics, LLC DBA Color Health
Classification: Uncertain significance for Hereditary cancer-predisposing syndrome. Last evaluated: 2023-12-04. Review status: criteria provided, single submitter. Criteria: ACMG Guidelines, 2015. Collection method: clinical testing. Allele origin: germline.
Comment: This missense variant replaces isoleucine with leucine at codon 430 of the BRIP1 protein. Computational prediction suggests that this variant may not impact protein structure and function (internally defined REVEL score threshold <= 0.5, PMID: 27666373). To our knowledge, functional studies have not been reported for this variant. This variant has not been reported in individuals affected with BRIP1-related disorders in the literature. This variant has not been identified in the general population by the Genome Aggregation Database (gnomAD). The available evidence is insufficient to determine the role of this variant in disease conclusively. Therefore, this variant is classified as a Variant of Uncertain Significance.

NM_032043.3(BRIP1):c.1288A>T (p.Ile430Leu)

Gene: BRIP1 (BRCA1 interacting DNA helicase 1; minus strand). Cytogenetic location: 17q23.2.
Variant type: single nucleotide variant.
Coding change: c.1288A>T on transcript NM_032043.3 (MANE Select); coding-DNA position 1288, A replaced by T.
Protein change: p.Ile430Leu; replaces isoleucine 430 with leucine.
Molecular consequence: missense variant.
Genome position (GRCh38, 1-based): chr17:61,799,152, T>A on the plus strand (A>T on the coding strand, the complement: BRIP1 is on the minus strand). VCF-style: chr17-61799152-T-A. GRCh37 (hg19) VCF-style: chr17-59876513-T-A.
Other names: short protein forms I430L.
Identifiers: ClinVar variation 628193 (VCV000628193.19), dbSNP rs1567829158, ClinGen allele CA400483517.